The following is an entry in ClinVar:

ClinVar aggregate classification (germline): Uncertain significance (1 of 4 stars; one submission).

Allele frequency attached by ClinVar (database versions not stated): gnomAD exomes below 0.00001; TOPMed below 0.00001; gnomAD 0.00001.

Submission:

GeneDx
Classification: Uncertain significance. Last evaluated: 2022-09-09. Review status: criteria provided, single submitter. Criteria: GeneDx Variant Classification Process June 2021. Collection method: clinical testing. Allele origin: germline. Affected: yes.
Comment: Not observed at significant frequency in large population cohorts (gnomAD); In silico analysis supports that this missense variant does not alter protein structure/function; Has not been previously published as pathogenic or benign to our knowledge

NM_001042545.2(LTBP4):c.628G>A (p.Glu210Lys)

Gene: LTBP4 (latent transforming growth factor beta binding protein 4; plus strand). Cytogenetic location: 19q13.2.
Variant type: single nucleotide variant.
Coding change: c.628G>A on transcript NM_001042545.2 (MANE Select); coding-DNA position 628, G replaced by A.
Protein change: p.Glu210Lys; replaces glutamic acid 210 with lysine.
Molecular consequence: missense variant.
Genome position (GRCh38, 1-based): chr19:40,605,590, G>A. VCF-style: chr19-40605590-G-A. GRCh37 (hg19) VCF-style: chr19-41111496-G-A.
Other names: c.829G>A, p.Glu277Lys (NM_001042544.1); c.718G>A, p.Glu240Lys (NM_003573.2); short protein forms E210K, E240K, E277K.
Identifiers: ClinVar variation 2443664 (VCV002443664.1), dbSNP rs1266268963, ClinGen allele CA405933514.
Genomic context (GRCh38, chr19:40,605,590, plus strand): 5'-GCGGCGGCGCGGGCGGAGGCGGCAGCGCCCTACACGGTGTTGGCACAGAGCGCGCCGCGG[G>A]AGGACGGCTACTCAGATGCCTCGGGCTTCGGTTACTGCTTTCGGGAGCTGCGCGGAGGCG-3'
Protein context (NP_001036010.1, residues 200-220): YTVLAQSAPR[Glu210Lys]DGYSDASGFG